The following is an entry in ClinVar:

NM_001256864.2(DNAJC6):c.2839G>A (p.Ala947Thr)

Gene: DNAJC6 (DnaJ heat shock protein family (Hsp40) member C6; plus strand). Cytogenetic location: 1p31.3.
Variant type: single nucleotide variant.
Coding change: c.2839G>A on transcript NM_001256864.2 (MANE Select); coding-DNA position 2839, G replaced by A.
Protein change: p.Ala947Thr; replaces alanine 947 with threonine.
Molecular consequence: missense variant.
Genome position (GRCh38, 1-based): chr1:65,412,951, G>A. VCF-style: chr1-65412951-G-A. GRCh37 (hg19) VCF-style: chr1-65878634-G-A.
Other names: c.2629G>A, p.Ala877Thr (NM_001256865.2); c.2668G>A, p.Ala890Thr (NM_014787.4); short protein forms A947T, A890T, A877T.
Identifiers: ClinVar variation 1432952 (VCV001432952.5), dbSNP rs755391548, ClinGen allele CA894253.
Genomic context (GRCh38, chr1:65,412,951, plus strand): 5'-GGTATCTAATGTGTGTTTTTGTTTTCTCTACAGGCTACTGGGCAACCCTATGAACAATAC[G>A]CAAAGATGATTTTCATGGAGCTCAATGATGCCTGGTCTGAATTTGAAAACCAAGGCCAAA-3'
Protein context (NP_001243793.1, residues 937-957): KATGQPYEQY[Ala947Thr]KMIFMELNDA

ClinVar aggregate classification (germline): Uncertain significance (1 of 4 stars; one submission).

Conditions:
Juvenile onset Parkinson disease 19A. Also called: DNAJC6 Parkinson Disease; PARK19. Identifiers: Orphanet 391411, MedGen C3809811, MONDO:0014231, OMIM 615528.

Allele frequency attached by ClinVar (database versions not stated): gnomAD exomes 0.00001; ExAC 0.00002; gnomAD 0.00003 and 0.00004; TOPMed 0.00003.
gnomAD v4.1: 19 of 1,613,782 alleles (0.0012%); highest among the groups gnomAD compares: East Asian, 0.0089%; no homozygotes.

Submission:

Labcorp Genetics (formerly Invitae), Labcorp
Classification: Uncertain significance for Juvenile onset Parkinson disease 19A. Last evaluated: 2021-10-08. Review status: criteria provided, single submitter. Criteria: Invitae Variant Classification Sherloc (09022015). Collection method: clinical testing. Allele origin: germline.
Comment: In summary, the available evidence is currently insufficient to determine the role of this variant in disease. Therefore, it has been classified as a Variant of Uncertain Significance. Algorithms developed to predict the effect of missense changes on protein structure and function are either unavailable or do not agree on the potential impact of this missense change (SIFT: "Deleterious"; PolyPhen-2: "Probably Damaging"; Align-GVGD: "Class C0"). This variant has not been reported in the literature in individuals affected with DNAJC6-related conditions. This variant is present in population databases (rs755391548, ExAC 0.01%). This sequence change replaces alanine with threonine at codon 947 of the DNAJC6 protein (p.Ala947Thr). The alanine residue is highly conserved and there is a small physicochemical difference between alanine and threonine.